The following is an entry in ClinVar:

ClinVar aggregate classification (germline): Likely pathogenic (1 of 4 stars; one submission).

Conditions:
RTEL1-related disorder. Also called: RTEL1-related condition; RTEL1-related disorders.

Submission:

PreventionGenetics, part of Exact Sciences
Classification: Likely pathogenic for RTEL1-related condition. Last evaluated: 2025-10-13. Review status: criteria provided, single submitter. Criteria: ACMG Guidelines, 2015. Collection method: clinical testing. Allele origin: germline.
Comment: The RTEL1 c.307_317del11 variant is predicted to result in a frameshift and premature protein termination (p.Tyr103Profs*52). To our knowledge, this variant has not been reported in the literature or in a large population database (gnomAD), indicating this variant is rare. Frameshift variants in RTEL1 are expected to be pathogenic. This variant is interpreted as likely pathogenic.

NM_001283009.2(RTEL1):c.307_317del (p.Tyr103fs)

Genes: RTEL1 (regulator of telomere elongation helicase 1; plus strand), RTEL1-TNFRSF6B (RTEL1-TNFRSF6B readthrough (NMD candidate); plus strand). Cytogenetic location: 20q13.33.
Variant type: Deletion.
Coding change: c.307_317del on transcript NM_001283009.2 (MANE Select); coding-DNA positions 307 to 317, 11 bases deleted (TACACGGACAT).
Protein change: p.Tyr103fs; shifts the reading frame from tyrosine 103.
Molecular consequence: frameshift variant. On other transcripts: non-coding transcript variant (1), 5 prime UTR variant (1).
Genome position (GRCh38, 1-based): chr20:63,661,855-63,661,865, TACACGGACAT deleted. VCF-style (leftmost placement, unchanged base first): chr20-63661854-CTACACGGACAT-C. GRCh37 (hg19) VCF-style: chr20-62293207-CTACACGGACAT-C.
Other names: c.-363_-353del (NM_001283010.1); c.307_317del, p.Tyr103fs (NM_016434.4, NM_032957.5); short protein forms Y103fs.
Identifiers: ClinVar variation 4994208 (VCV004994208.1).
Genomic context (GRCh38, chr20:63,661,854, plus strand): 5'-TACGTGAGAACGTTGTCTGAGAACCGTGACTTCTGTGCTTGCTTGTGTCTGGTCAGCTTG[CTACACGGACAT>C]CCCAAAGATTATTTACGCCTCCAGGACCCACTCGCAACTCACACAGGTCATCAACGAGCT-3'